The following is an entry in ClinVar:

ClinVar aggregate classification (germline): Uncertain significance. Review status: criteria provided, multiple submitters, no conflicts (2 of 4 stars). 2 submissions from 2 submitters: Uncertain significance (2). Last evaluated 2025-02-19.

Conditions:
Tuberous sclerosis 2 (TSC2). Identifiers: Orphanet 805, MedGen C1860707, MONDO:0013199, OMIM 613254.
Hereditary cancer-predisposing syndrome. Also called: Neoplastic Syndromes, Hereditary; Tumor predisposition; Hereditary Cancer Syndrome; Hereditary neoplastic syndrome. Identifiers: Orphanet 140162, MedGen C0027672, MeSH D009386, MONDO:0015356.

Submissions (2):

Labcorp Genetics (formerly Invitae), Labcorp
Classification: Uncertain significance for Tuberous sclerosis 2. Last evaluated: 2025-02-19. Review status: criteria provided, single submitter. Criteria: Invitae Variant Classification Sherloc (09022015). Collection method: clinical testing. Allele origin: germline.
Comment: This sequence change replaces leucine, which is neutral and non-polar, with serine, which is neutral and polar, at codon 116 of the TSC2 protein (p.Leu116Ser). This variant is not present in population databases (gnomAD no frequency). This variant has not been reported in the literature in individuals affected with TSC2-related conditions. ClinVar contains an entry for this variant (Variation ID: 1731841). Invitae Evidence Modeling of protein sequence and biophysical properties (such as structural, functional, and spatial information, amino acid conservation, physicochemical variation, residue mobility, and thermodynamic stability) indicates that this missense variant is not expected to disrupt TSC2 protein function with a negative predictive value of 95%. In summary, the available evidence is currently insufficient to determine the role of this variant in disease. Therefore, it has been classified as a Variant of Uncertain Significance.

Ambry Genetics
Classification: Uncertain significance for Hereditary cancer-predisposing syndrome. Last evaluated: 2020-01-20. Review status: criteria provided, single submitter. Criteria: Ambry Variant Classification Scheme 2023. Collection method: clinical testing. Allele origin: germline.
Comment: The p.L116S variant (also known as c.347T>C), located in coding exon 4 of the TSC2 gene, results from a T to C substitution at nucleotide position 347. The leucine at codon 116 is replaced by serine, an amino acid with dissimilar properties. This amino acid position is highly conserved in available vertebrate species. In addition, this alteration is predicted to be deleterious by in silico analysis. Since supporting evidence is limited at this time, the clinical significance of this alteration remains unclear.

NM_000548.5(TSC2):c.347T>C (p.Leu116Ser)

Gene: TSC2 (TSC complex subunit 2; plus strand). Cytogenetic location: 16p13.3.
Variant type: single nucleotide variant.
Coding change: c.347T>C on transcript NM_000548.5 (MANE Select); coding-DNA position 347, T replaced by C.
Protein change: p.Leu116Ser; replaces leucine 116 with serine.
Molecular consequence: missense variant. On other transcripts: intron variant (1).
Genome position (GRCh38, 1-based): chr16:2,054,306, T>C. VCF-style: chr16-2054306-T-C. GRCh37 (hg19) VCF-style: chr16-2104307-T-C.
Other names: c.437T>C, p.Leu146Ser (NM_001406667.1, NM_001406668.1); c.236T>C, p.Leu79Ser (NM_001406670.1, NM_001406678.1, NM_001318827.2); c.347T>C, p.Leu116Ser (NM_001406671.1, NM_001406673.1, NM_001077183.3 and 8 more transcripts); c.200T>C, p.Leu67Ser (NM_001406675.1, NM_001406676.1, NM_001406679.1 and 1 more transcripts); c.290T>C, p.Leu97Ser (NM_001406677.1); c.-1085T>C (NM_001406690.1, NM_001406691.1, NM_001406692.1 and 2 more transcripts); c.-1301T>C (NM_001406693.1); c.-966T>C (NM_001406694.1, NM_001406695.1); and 6 more; short protein forms L116S, L146S, L127S, L97S, L67S, L79S.
Identifiers: ClinVar variation 1731841 (VCV001731841.3), dbSNP rs2548413068, ClinGen allele CA394306448.